The following is an entry in ClinVar:

NM_032043.3(BRIP1):c.2119C>T (p.Arg707Cys)

Gene: BRIP1 (BRCA1 interacting DNA helicase 1; minus strand). Cytogenetic location: 17q23.2.
Variant type: single nucleotide variant.
Coding change: c.2119C>T on transcript NM_032043.3 (MANE Select); coding-DNA position 2119, C replaced by T.
Protein change: p.Arg707Cys; replaces arginine 707 with cysteine.
Molecular consequence: missense variant.
Genome position (GRCh38, 1-based): chr17:61,744,570, G>A on the plus strand (C>T on the coding strand, the complement: BRIP1 is on the minus strand). VCF-style: chr17-61744570-G-A. GRCh37 (hg19) VCF-style: chr17-59821931-G-A.
Other names: short protein forms R707C.
Identifiers: ClinVar variation 234570 (VCV000234570.29), dbSNP rs764803896, ClinGen allele CA8690587.

ClinVar aggregate classification (germline): Uncertain significance. Review status: criteria provided, multiple submitters, no conflicts (2 of 4 stars). 13 submissions from 13 submitters: Uncertain significance (11). 2 of the submissions do not count toward it. Last evaluated 2026-02-03.

Conditions:
Hereditary cancer-predisposing syndrome. Also called: Tumor predisposition; Hereditary Cancer Syndrome; Hereditary neoplastic syndrome; Neoplastic Syndromes, Hereditary. Identifiers: Orphanet 140162, MedGen C0027672, MeSH D009386, MONDO:0015356.
Fanconi anemia complementation group J. Also called: BRIP1-Related Fanconi Anemia. Identifiers: Orphanet 84, MedGen C1836860, MONDO:0012187, OMIM 609054.
Familial cancer of breast. Also called: hereditary breast carcinoma; BREAST CANCER, FAMILIAL; Hereditary breast cancer. Identifiers: Orphanet 227535, MedGen C0346153, MONDO:0016419, OMIM 114480. Disease mechanism: loss of function.
Hereditary breast ovarian cancer syndrome. Also called: Hereditary breast and ovarian cancer; Breast and ovarian cancer; BRCA1- and BRCA2-Associated Hereditary Breast and Ovarian Cancer; Hereditary breast and ovarian cancer syndrome; Hereditary breast and ovarian cancer syndrome (HBOC); Hereditary breast and/or ovarian cancer syndrome. Identifiers: Orphanet 145, MedGen C0677776, MeSH D061325, MONDO:0003582. Disease mechanism: loss of function.

Allele frequency attached by ClinVar (database versions not stated): gnomAD 0.00001; gnomAD exomes 0.00002 and 0.00003; ExAC 0.00005; TOPMed below 0.00001.
gnomAD v4.1: 33 of 1,613,288 alleles (0.002%); highest among the groups gnomAD compares: Non-Finnish European, 0.0025%; no homozygotes.

Submissions 1 to 8 of 13:

Labcorp Genetics (formerly Invitae), Labcorp
Classification: Uncertain significance for Familial cancer of breast; Fanconi anemia complementation group J. Last evaluated: 2026-02-03. Review status: criteria provided, single submitter. Criteria: Invitae Variant Classification Sherloc (09022015). Collection method: clinical testing. Allele origin: germline.
Comment: This sequence change replaces arginine, which is basic and polar, with cysteine, which is neutral and slightly polar, at codon 707 of the BRIP1 protein (p.Arg707Cys). This variant is present in population databases (rs764803896, gnomAD 0.007%). This missense change has been observed in individual(s) with Fanconi anemia, ovarian cancer (PMID: 16116423, 31822495, 34585473). ClinVar contains an entry for this variant (Variation ID: 234570). Invitae Evidence Modeling of protein sequence and biophysical properties (such as structural, functional, and spatial information, amino acid conservation, physicochemical variation, residue mobility, and thermodynamic stability) has been performed for this missense variant. However, the output from this modeling did not meet the statistical confidence thresholds required to predict the impact of this variant on BRIP1 protein function. Experimental studies have shown that this missense change affects BRIP1 function (PMID: 29788478). In summary, the available evidence is currently insufficient to determine the role of this variant in disease. Therefore, it has been classified as a Variant of Uncertain Significance.

Ambry Genetics
Classification: Uncertain significance for Hereditary cancer-predisposing syndrome. Last evaluated: 2025-06-12. Review status: criteria provided, single submitter. Criteria: Ambry Variant Classification Scheme 2023. Collection method: clinical testing. Allele origin: germline.
Comment: The p.R707C variant (also known as c.2119C>T), located in coding exon 14 of the BRIP1 gene, results from a C to T substitution at nucleotide position 2119. The arginine at codon 707 is replaced by cysteine, an amino acid with highly dissimilar properties. This variant has been reported in multiple individuals diagnosed with Fanconi Anemia complementation group J (FA-J); however, limited information was provided (Levitus M et al. Nat. Genet. 2005 Sep;37:934-5; George M et al. Hum Mutat. 2021 Dec;42:1648-1665). This alteration was detected in 1/1,199 ovarian cancer cases (Moyer CL et al. Cancer Res. 2020 Feb;80:857-867). In addition, functional studies suggest this variant partially impairs helicase activity compared to wild type (Bharti SK et al. Nucleic Acids Res. 2018 07;46:6238-6256). This amino acid position is highly conserved in available vertebrate species. In addition, this alteration is predicted to be deleterious by in silico analysis. Since supporting evidence is limited at this time, the clinical significance of this alteration remains unclear.

Institute of Immunology and Genetics Kaiserslautern
Classification: Uncertain significance for Fanconi anemia complementation group J; Familial cancer of breast. Last evaluated: 2025-06-04. Review status: criteria provided, single submitter. Criteria: ACMG Guidelines, 2015. Collection method: clinical testing. Allele origin: germline. Affected: yes.
Comment: ACMG Criteria: PP3, PP5, PS3_M ; Variant was found in heterozygous state.

Color Diagnostics, LLC DBA Color Health
Classification: Uncertain significance for Hereditary cancer-predisposing syndrome. Last evaluated: 2025-04-21. Review status: criteria provided, single submitter. Criteria: ACMG Guidelines, 2015. Collection method: clinical testing. Allele origin: germline.
Comment: This missense variant replaces arginine with cysteine at codon 707 of the BRIP1 protein. Computational prediction suggests that this variant may have deleterious impact on protein structure and functio. Functional studies have shown that this variant protein displays decreased helicase activity and fails to restore resistance to DNA interstrand crosslink (ICL)-inducing agents in BRIP1-deficient cells (PMID: 29788478, 33619228). This variant has been reported in individuals affected with Fanconi anemia (PMID: 16116423, 34585473). This variant has also been reported in individuals affected with breast cancer and ovarian cancer (PMID: 31822495, 33471991). This variant has been identified in 8/282390 chromosomes in the general population by the Genome Aggregation Database (gnomAD). The available evidence is insufficient to determine the role of this variant in disease conclusively. Therefore, this variant is classified as a Variant of Uncertain Significance.

German Consortium for Hereditary Breast and Ovarian Cancer, University Hospital Cologne
Classification: Uncertain significance for Hereditary breast ovarian cancer syndrome. Last evaluated: 2024-07-08. Review status: criteria provided, single submitter. Criteria: ACMG Guidelines, 2015. Collection method: curation. Allele origin: germline.
Comment: According to the ACMG SVI adaptation criteria we chose these criteria: PS3 (supporting pathogenic): funktionelle Analysen Bharti et al. 2018; Calvo et al. 2021, PP3 (supporting pathogenic): Revel 0,854, aber SIFT: neutral, ... nach Canvog: PP3 nur als Supp zu werten => Bewertungsstärke?

Women's Health and Genetics/Laboratory Corporation of America, LabCorp
Classification: Uncertain significance. Last evaluated: 2024-04-02. Review status: criteria provided, single submitter. Criteria: LabCorp Variant Classification Summary - May 2015. Collection method: clinical testing. Allele origin: germline.
Comment: Variant summary: BRIP1 c.2119C>T (p.Arg707Cys) results in a non-conservative amino acid change located in the ATP-dependent helicase, C-terminal domain (IPR006555) of the encoded protein sequence. Five of five in-silico tools predict a damaging effect of the variant on protein function. The variant allele was found at a frequency of 2.8e-05 in 251042 control chromosomes. The available data on variant occurrences in the general population are insufficient to allow any conclusion about variant significance. c.2119C>T has been reported in the literature in individuals affected with Fanconi Anemia (Levitus_2005, George_2021). These report(s) do not provide unequivocal conclusions about association of the variant with Fanconi Anemia Complementation Group J. At least one publication reports experimental evidence evaluating an impact on protein function and evaluated the variant as a hypomorphic change, however, does not allow convincing conclusions about the variant effect (Calvo_2021). The following publications have been ascertained in the context of this evaluation (PMID: 33619228, 34585473, 16116423). ClinVar contains an entry for this variant (Variation ID: 234570). Based on the evidence outlined above, the variant was classified as uncertain significance.

Quest Diagnostics Nichols Institute San Juan Capistrano
Classification: Uncertain significance. Last evaluated: 2024-03-22. Review status: criteria provided, single submitter. Criteria: Quest Diagnostics criteria. Collection method: clinical testing. Allele origin: unknown.
Comment: The BRIP1 c.2119C>T (p.Arg707Cys) variant has been reported in the published literature in individuals with ovarian cancer (PMID: 31822495 (2020)), breast cancer (PMID: 33471991 (2021), see also LOVD), and Fanoni Anemia (PMIDs: 34585473 (2021), 16116423 (2005)). The frequency of this variant in the general population, 0.000062 (8/128868 chromosomes (Genome Aggregation Database)), is uninformative in the assessment of its pathogenicity. Analysis of this variant using bioinformatics tools for the prediction of the effect of amino acid changes on protein structure and function yielded predictions that this variant is damaging. Based on the available information, we are unable to determine the clinical significance of this variant.

Baylor Genetics
Classification: Uncertain significance for Familial cancer of breast. Last evaluated: 2023-08-25. Review status: criteria provided, single submitter. Criteria: ACMG Guidelines, 2015. Collection method: clinical testing. Allele origin: unknown.